The following is an entry in ClinVar:

ClinVar aggregate classification (germline): Pathogenic (1 of 4 stars; one submission).

Conditions:
Mucopolysaccharidosis type 1. Also called: Mucopolysaccharidosis Type I; IDUA deficiency; MPS I. Identifiers: Orphanet 579, MedGen C0023786, MONDO:0001586.

Submission:

Labcorp Genetics (formerly Invitae), Labcorp
Classification: Pathogenic for Mucopolysaccharidosis type 1. Last evaluated: 2023-11-05. Review status: criteria provided, single submitter. Criteria: Invitae Variant Classification Sherloc (09022015). Collection method: clinical testing. Allele origin: germline.
Comment: This sequence change creates a premature translational stop signal (p.Tyr318*) in the IDUA gene. It is expected to result in an absent or disrupted protein product. Loss-of-function variants in IDUA are known to be pathogenic (PMID: 11735025, 21480867). This variant is not present in population databases (gnomAD no frequency). This variant has not been reported in the literature in individuals affected with IDUA-related conditions. For these reasons, this variant has been classified as Pathogenic.

Literature cited by the submitters: PubMed 11735025; PubMed 21480867.

NM_000203.5(IDUA):c.954C>G (p.Tyr318Ter)

Gene: IDUA (alpha-L-iduronidase; plus strand). Cytogenetic location: 4p16.3.
Variant type: single nucleotide variant.
Coding change: c.954C>G on transcript NM_000203.5 (MANE Select); coding-DNA position 954, C replaced by G.
Protein change: p.Tyr318Ter; replaces tyrosine 318 with a stop codon.
Molecular consequence: nonsense. On other transcripts: non-coding transcript variant (1).
Genome position (GRCh38, 1-based): chr4:1,002,143, C>G. VCF-style: chr4-1002143-C-G. GRCh37 (hg19) VCF-style: chr4-995931-C-G.
Other names: c.558C>G, p.Tyr186Ter (NM_001363576.1); short protein forms Y318*, Y186*.
Identifiers: ClinVar variation 2693468 (VCV002693468.3), dbSNP rs1400939830, ClinGen allele CA355962805.